The following is an entry in ClinVar:

NM_001278116.2(L1CAM):c.1603del (p.Arg534_Val535insTer)

Gene: L1CAM (L1 cell adhesion molecule; minus strand). Cytogenetic location: Xq28.
Variant type: Deletion.
Coding change: c.1603del on transcript NM_001278116.2 (MANE Select); coding-DNA position 1603, one base deleted (G; older notation c.1603delG).
Protein change: p.Arg534_Val535insTer.
Molecular consequence: nonsense.
Genome position (GRCh38, 1-based): chrX:153,868,402, C deleted on the plus strand (G on the coding strand, the reverse complement: L1CAM is on the minus strand); the first of 3 consecutive C bases (chrX:153,868,402-153,868,404); deleting any one gives the same sequence. VCF-style (leftmost placement, unchanged base first): chrX-153868401-AC-A. GRCh37 (hg19) VCF-style: chrX-153133856-AC-A.
Other names: c.1603del, p.Arg534_Val535insTer (NM_000425.5, NM_024003.3); c.1588del, p.Arg529_Val530insTer (NM_001143963.2).
Identifiers: ClinVar variation 2022036 (VCV002022036.4), dbSNP rs2521000590, ClinGen allele CA2580101863.

ClinVar aggregate classification (germline): Pathogenic (1 of 4 stars; one submission).

Conditions:
Spastic paraplegia. Identifiers: MedGen C0037772, HP:0001258.

Submission:

Labcorp Genetics (formerly Invitae), Labcorp
Classification: Pathogenic for Spastic paraplegia. Last evaluated: 2022-08-20. Review status: criteria provided, single submitter. Criteria: Invitae Variant Classification Sherloc (09022015). Collection method: clinical testing. Allele origin: germline.
Comment: For these reasons, this variant has been classified as Pathogenic. Algorithms developed to predict the effect of sequence changes on RNA splicing suggest that this variant may create or strengthen a splice site. This variant has not been reported in the literature in individuals affected with L1CAM-related conditions. This variant is not present in population databases (gnomAD no frequency). This sequence change creates a premature translational stop signal (p.Val535*) in the L1CAM gene. It is expected to result in an absent or disrupted protein product. Loss-of-function variants in L1CAM are known to be pathogenic (PMID: 19846429).

Literature cited by the submitters: PubMed 19846429.